The following is an entry in ClinVar:

NC_000005.10:g.112846420C>G

Variant type: single nucleotide variant.
Genome position: GRCh38 VCF-style: chr5-112846420-C-G. GRCh37 (hg19) VCF-style: chr5-112182117-C-G.
Identifiers: ClinVar variation 83266 (VCV000083266.2), dbSNP rs77843403, ClinGen allele CA250958.
Genomic context (GRCh38, chr5:112,846,420, plus strand): 5'-AATTAGATAAACTTGCCTTTTAATTCAAATAAGGAAGAAAATATAAATGCTGAAAATGAA[C>G]ATTCCACATGCCAGAAAAGTGGAATTTTTGTAGGCAACACTTGAGTGGGGGGAGACGGGC-3'

ClinVar aggregate classification (germline): other (0 of 4 stars; one submission).

Conditions:
Familial colorectal cancer. Identifiers: MedGen CN280943, MONDO:0023113. Disease mechanism: loss of function.

Submission:

Systems Biology Platform Zhejiang California International NanoSystems Institute
Classification: other for Familial colorectal cancer. Review status: no assertion criteria provided. Collection method: not provided. Allele origin: unknown.
ClinVar note: Converted during submission from cancer to other.